The following is an entry in ClinVar:

ClinVar aggregate classification (germline): Uncertain significance (1 of 4 stars; one submission).

Allele frequency attached by ClinVar (database versions not stated): gnomAD exomes below 0.00001.
gnomAD v4.1: 1 of 1,612,888 alleles (0.000062%); highest among the groups gnomAD compares: African/African-American, 0.0013%; no homozygotes.

Submission:

Labcorp Genetics (formerly Invitae), Labcorp
Classification: Uncertain significance. Last evaluated: 2022-10-13. Review status: criteria provided, single submitter. Criteria: Invitae Variant Classification Sherloc (09022015). Collection method: clinical testing. Allele origin: germline.
Comment: This variant has not been reported in the literature in individuals affected with POLR3A-related conditions. In summary, the available evidence is currently insufficient to determine the role of this variant in disease. Therefore, it has been classified as a Variant of Uncertain Significance. Advanced modeling of protein sequence and biophysical properties (such as structural, functional, and spatial information, amino acid conservation, physicochemical variation, residue mobility, and thermodynamic stability) performed at Invitae indicates that this missense variant is expected to disrupt POLR3A protein function. This variant is not present in population databases (gnomAD no frequency). This sequence change replaces glutamine, which is neutral and polar, with proline, which is neutral and non-polar, at codon 899 of the POLR3A protein (p.Gln899Pro).

NM_007055.4(POLR3A):c.2696A>C (p.Gln899Pro)

Gene: POLR3A (RNA polymerase III subunit A; minus strand). Cytogenetic location: 10q22.3.
Variant type: single nucleotide variant.
Coding change: c.2696A>C on transcript NM_007055.4 (MANE Select); coding-DNA position 2696, A replaced by C.
Protein change: p.Gln899Pro; replaces glutamine 899 with proline.
Molecular consequence: missense variant.
Genome position (GRCh38, 1-based): chr10:77,993,288, T>G on the plus strand (A>C on the coding strand, the complement: POLR3A is on the minus strand). VCF-style: chr10-77993288-T-G. GRCh37 (hg19) VCF-style: chr10-79753046-T-G.
Other names: short protein forms Q899P.
Identifiers: ClinVar variation 2414911 (VCV002414911.4), dbSNP rs2493199155, ClinGen allele CA377334342.